The following is an entry in ClinVar:

NM_004370.6(COL12A1):c.6731G>A (p.Arg2244Lys)

Gene: COL12A1 (collagen type XII alpha 1 chain; minus strand). Cytogenetic location: 6q13.
Variant type: single nucleotide variant.
Coding change: c.6731G>A on transcript NM_004370.6 (MANE Select); coding-DNA position 6731, G replaced by A.
Protein change: p.Arg2244Lys; replaces arginine 2244 with lysine.
Molecular consequence: missense variant.
Genome position (GRCh38, 1-based): chr6:75,124,088, C>T on the plus strand (G>A on the coding strand, the complement: COL12A1 is on the minus strand). VCF-style: chr6-75124088-C-T. GRCh37 (hg19) VCF-style: chr6-75833804-C-T.
Other names: c.3239G>A, p.Arg1080Lys (NM_080645.3); short protein forms R1080K, R2244K.
Identifiers: ClinVar variation 1321024 (VCV001321024.2), dbSNP rs2149373808, ClinGen allele CA364728733.

ClinVar aggregate classification (germline): Uncertain significance (1 of 4 stars; one submission).

gnomAD v4.1: 1 of 1,612,630 alleles (0.000062%); highest among the groups gnomAD compares: Non-Finnish European, 0.000085%; no homozygotes.

Submission:

GeneDx
Classification: Uncertain significance. Last evaluated: 2019-11-18. Review status: criteria provided, single submitter. Criteria: GeneDx Variant Classification Process June 2021. Collection method: clinical testing. Allele origin: germline. Affected: yes.
Comment: Has not been previously published as pathogenic or benign to our knowledge; Not observed in large population cohorts (Lek et al., 2016); In silico analysis, which includes protein predictors and evolutionary conservation, supports that this variant does not alter protein structure/function